The following is an entry in ClinVar:

NM_015267.4(CUX2):c.4435G>A (p.Glu1479Lys)

Gene: CUX2 (cut like homeobox 2; plus strand). Cytogenetic location: 12q24.12.
Variant type: single nucleotide variant.
Coding change: c.4435G>A on transcript NM_015267.4 (MANE Select); coding-DNA position 4435, G replaced by A.
Protein change: p.Glu1479Lys; replaces glutamic acid 1479 with lysine.
Molecular consequence: missense variant.
Genome position (GRCh38, 1-based): chr12:111,348,299, G>A. VCF-style: chr12-111348299-G-A. GRCh37 (hg19) VCF-style: chr12-111786103-G-A.
Other names: c.4249G>A, p.Glu1417Lys (NM_001370598.1); short protein forms E1417K, E1479K.
Identifiers: ClinVar variation 3253171 (VCV003253171.1), dbSNP rs2499945480.

ClinVar aggregate classification (germline): Uncertain significance (1 of 4 stars; one submission).

Submission:

GeneDx
Classification: Uncertain significance. Last evaluated: 2023-12-28. Review status: criteria provided, single submitter. Criteria: GeneDx Variant Classification Process June 2021. Collection method: clinical testing. Allele origin: germline. Affected: yes.
Comment: Not observed at significant frequency in large population cohorts (gnomAD); In silico analysis supports that this missense variant has a deleterious effect on protein structure/function; Has not been previously published as pathogenic or benign to our knowledge